The following is an entry in ClinVar:

NM_001378454.1(ALMS1):c.11461G>A (p.Glu3821Lys)

Gene: ALMS1 (ALMS1 centrosome and basal body associated protein; plus strand). Cytogenetic location: 2p13.1.
Variant type: single nucleotide variant.
Coding change: c.11461G>A on transcript NM_001378454.1 (MANE Select); coding-DNA position 11461, G replaced by A.
Protein change: p.Glu3821Lys; replaces glutamic acid 3821 with lysine.
Molecular consequence: missense variant.
Genome position (GRCh38, 1-based): chr2:73,573,338, G>A. VCF-style: chr2-73573338-G-A. GRCh37 (hg19) VCF-style: chr2-73800465-G-A.
Other names: c.11464G>A, p.Glu3822Lys (NM_015120.4); short protein forms E3821K, E3822K.
Identifiers: ClinVar variation 2626177 (VCV002626177.2), dbSNP rs2466447892, ClinGen allele CA347290132.

ClinVar aggregate classification (germline): Uncertain significance (1 of 4 stars; one submission).

Conditions:
Cardiovascular phenotype. Identifiers: MedGen CN230736.

Submission:

Ambry Genetics
Classification: Uncertain significance for Cardiovascular phenotype. Last evaluated: 2023-06-25. Review status: criteria provided, single submitter. Criteria: Ambry Variant Classification Scheme 2023. Collection method: clinical testing. Allele origin: germline.
Comment: The p.E3822K variant (also known as c.11464G>A), located in coding exon 16 of the ALMS1 gene, results from a G to A substitution at nucleotide position 11464. The glutamic acid at codon 3822 is replaced by lysine, an amino acid with similar properties. This amino acid position is highly conserved in available vertebrate species. In addition, the in silico prediction for this alteration is inconclusive. Since supporting evidence is limited at this time, the clinical significance of this alteration remains unclear.